The following is an entry in ClinVar:

ClinVar aggregate classification (germline): Benign (1 of 4 stars; one submission).

Conditions:
Retinitis pigmentosa (RP). Identifiers: Orphanet 791, MedGen C0035334, MeSH D012174, MONDO:0019200, OMIM 268000. Inheritance: Autosomal dominant, autosomal recessive and X linked inheritance.

Allele frequency attached by ClinVar (database versions not stated): 1000 Genomes Project 0.00053; 1000 Genomes Project 30x 0.00104; TOPMed 0.00170.

Submission:

Illumina Laboratory Services, Illumina
Classification: Benign for Retinitis pigmentosa. Last evaluated: 2018-01-13. Review status: criteria provided, single submitter. Criteria: ICSL Variant Classification Criteria 13 December 2019. Collection method: clinical testing. Allele origin: germline.
Comment: This variant was observed in the ICSL laboratory as part of a predisposition screen in an ostensibly healthy population. It had not been previously curated by ICSL or reported in the Human Gene Mutation Database (HGMD: prior to June 1st, 2018), and was therefore a candidate for classification through an automated scoring system. Utilizing variant allele frequency, disease prevalence and penetrance estimates, and inheritance mode, an automated score was calculated to assess if this variant is too frequent to cause the disease. Based on the score and internal cut-off values, a variant classified as benign is not then subjected to further curation. The score for this variant resulted in a classification of benign for this disease.

NM_006915.3(RP2):c.*1908G>A

Gene: RP2 (RP2 activator of ARL3 GTPase; plus strand). Cytogenetic location: Xp11.3.
Variant type: single nucleotide variant.
Coding change: c.*1908G>A on transcript NM_006915.3 (MANE Select); 1908 bases downstream of the stop codon, G replaced by A.
Molecular consequence: 3 prime UTR variant.
Genome position (GRCh38, 1-based): chrX:46,881,677, G>A. VCF-style: chrX-46881677-G-A. GRCh37 (hg19) VCF-style: chrX-46741112-G-A.
Identifiers: ClinVar variation 368321 (VCV000368321.5), dbSNP rs782216739, ClinGen allele CA10646161.